The following is an entry in ClinVar:

ClinVar aggregate classification (germline): Uncertain significance (1 of 4 stars; one submission).

Conditions:
Mitochondrial complex II deficiency, nuclear type 1. Also called: SUCCINATE CoQ REDUCTASE DEFICIENCY. Identifiers: Orphanet 3208, MedGen C5700310, MONDO:0100294, OMIM 252011.
Pheochromocytoma/paraganglioma syndrome 5. Also called: Paragangliomas 5; SDHA-Related Hereditary Paraganglioma-Pheochromocytoma Syndrome. Identifiers: Orphanet 29072, MedGen C3279992, MONDO:0013602, OMIM 614165.

Submission:

Labcorp Genetics (formerly Invitae), Labcorp
Classification: Uncertain significance for Pheochromocytoma/paraganglioma syndrome 5; Mitochondrial complex II deficiency, nuclear type 1. Last evaluated: 2024-09-03. Review status: criteria provided, single submitter. Criteria: Invitae Variant Classification Sherloc (09022015). Collection method: clinical testing. Allele origin: germline.
Comment: This sequence change replaces isoleucine, which is neutral and non-polar, with leucine, which is neutral and non-polar, at codon 307 of the SDHA protein (p.Ile307Leu). This variant is not present in population databases (gnomAD no frequency). This variant has not been reported in the literature in individuals affected with SDHA-related conditions. Invitae Evidence Modeling of protein sequence and biophysical properties (such as structural, functional, and spatial information, amino acid conservation, physicochemical variation, residue mobility, and thermodynamic stability) indicates that this missense variant is not expected to disrupt SDHA protein function with a negative predictive value of 95%. In summary, the available evidence is currently insufficient to determine the role of this variant in disease. Therefore, it has been classified as a Variant of Uncertain Significance.

NM_004168.4(SDHA):c.919A>C (p.Ile307Leu)

Gene: SDHA (succinate dehydrogenase complex flavoprotein subunit A; plus strand). Cytogenetic location: 5p15.33.
Variant type: single nucleotide variant.
Coding change: c.919A>C on transcript NM_004168.4 (MANE Select); coding-DNA position 919, A replaced by C.
Protein change: p.Ile307Leu; replaces isoleucine 307 with leucine.
Molecular consequence: missense variant.
Genome position (GRCh38, 1-based): chr5:233,500, A>C. VCF-style: chr5-233500-A-C. GRCh37 (hg19) VCF-style: chr5-233615-A-C.
Other names: c.775A>C, p.Ile259Leu (NM_001294332.2); c.919A>C, p.Ile307Leu (NM_001330758.2); short protein forms I259L, I307L.
Identifiers: ClinVar variation 3754193 (VCV003754193.2).